The following is an entry in ClinVar:

NC_000002.12:g.121530954A>G

Genes: CLASP1 (cytoplasmic linker associated protein 1; minus strand), CLASP1-AS1 (CLASP1 antisense RNA 1; plus strand), RNU4ATAC (RNA, U4atac small nuclear; plus strand). Cytogenetic location: 2q14.2.
Variant type: single nucleotide variant.
Molecular consequence: intron variant (on NM_001395891.1).
Genome position: GRCh38 VCF-style: chr2-121530954-A-G. GRCh37 (hg19) VCF-style: chr2-122288530-A-G.
Other names: c.196-629T>C (NM_001142274.2, NM_015282.3, NM_001378003.1 and 5 more transcripts).
Identifiers: ClinVar variation 1416194 (VCV001416194.4), dbSNP rs950868962, ClinGen allele CA54810924.

ClinVar aggregate classification (germline): Uncertain significance (1 of 4 stars; one submission).

gnomAD v4.1: 15 of 700,312 alleles (0.0021%); highest among the groups gnomAD compares: Admixed American, 0.006%; no homozygotes.

Submission:

Labcorp Genetics (formerly Invitae), Labcorp
Classification: Uncertain significance. Last evaluated: 2024-10-24. Review status: criteria provided, single submitter. Criteria: Invitae Variant Classification Sherloc (09022015). Collection method: clinical testing. Allele origin: germline.
Comment: This variant occurs in the RNU4ATAC gene, which encodes an RNA molecule that does not result in a protein product. This variant is present in population databases (no rsID available, gnomAD 0.004%). This variant has not been reported in the literature in individuals affected with RNU4ATAC-related conditions. ClinVar contains an entry for this variant (Variation ID: 1416194). Experimental studies and prediction algorithms are not available or were not evaluated, and the functional significance of this variant is currently unknown. In summary, the available evidence is currently insufficient to determine the role of this variant in disease. Therefore, it has been classified as a Variant of Uncertain Significance.